The following is an entry in ClinVar:

NM_004385.5(VCAN):c.1246A>G (p.Thr416Ala)

Gene: VCAN (versican; plus strand). Cytogenetic location: 5q14.3.
Variant type: single nucleotide variant.
Coding change: c.1246A>G on transcript NM_004385.5 (MANE Select); coding-DNA position 1246, A replaced by G.
Protein change: p.Thr416Ala; replaces threonine 416 with alanine.
Molecular consequence: missense variant. On other transcripts: intron variant (2).
Genome position (GRCh38, 1-based): chr5:83,519,552, A>G. VCF-style: chr5-83519552-A-G. GRCh37 (hg19) VCF-style: chr5-82815371-A-G.
Other names: c.1246A>G, p.Thr416Ala (NM_001164098.2); c.1042+7156A>G (NM_001164097.2, NM_001126336.3); short protein forms T416A.
Identifiers: ClinVar variation 2117101 (VCV002117101.4), dbSNP rs2479046695, ClinGen allele CA360299554.

ClinVar aggregate classification (germline): Uncertain significance (1 of 4 stars; one submission).

Submission:

Labcorp Genetics (formerly Invitae), Labcorp
Classification: Uncertain significance. Last evaluated: 2022-03-26. Review status: criteria provided, single submitter. Criteria: Invitae Variant Classification Sherloc (09022015). Collection method: clinical testing. Allele origin: germline.
Comment: Algorithms developed to predict the effect of missense changes on protein structure and function (SIFT, PolyPhen-2, Align-GVGD) all suggest that this variant is likely to be tolerated. This variant has not been reported in the literature in individuals affected with VCAN-related conditions. This variant is not present in population databases (gnomAD no frequency). This sequence change replaces threonine, which is neutral and polar, with alanine, which is neutral and non-polar, at codon 416 of the VCAN protein (p.Thr416Ala). In summary, the available evidence is currently insufficient to determine the role of this variant in disease. Therefore, it has been classified as a Variant of Uncertain Significance.